The following is an entry in ClinVar:

ClinVar aggregate classification (germline): Likely benign. Review status: criteria provided, multiple submitters, no conflicts (2 of 4 stars). 3 submissions from 3 submitters: Likely benign (3). Last evaluated 2025-07-22.

Conditions:
Catecholaminergic polymorphic ventricular tachycardia (CVPT). Also called: Catecholamine-induced polymorphic ventricular tachycardia. Identifiers: Orphanet 3286, MedGen C5574922, MONDO:0017990.
Catecholaminergic polymorphic ventricular tachycardia 1. Also called: RYR2-Related Catecholaminergic Polymorphic Ventricular Tachycardia; VENTRICULAR TACHYCARDIA, STRESS-INDUCED POLYMORPHIC 1; VENTRICULAR TACHYCARDIA, CATECHOLAMINERGIC POLYMORPHIC, 1, WITH OR WITHOUT ATRIAL DYSFUNCTION AND/OR DILATED CARDIOMYOPATHY. Identifiers: Orphanet 3286, MedGen C1631597, MONDO:0011484, OMIM 604772.
Cardiomyopathy (CMYO). Also called: Cardiomyopathies. Identifiers: Orphanet 167848, MedGen C0878544, MONDO:0004994, HP:0001638. Inheritance: Various modes of inheritance.

Allele frequency attached by ClinVar (database versions not stated): gnomAD exomes below 0.00001; TOPMed below 0.00001; ExAC 0.00001.
gnomAD v4.1: 2 of 1,606,838 alleles (0.00012%); highest among the groups gnomAD compares: Admixed American, 0.0034%; no homozygotes.

Submissions (3):

Labcorp Genetics (formerly Invitae), Labcorp
Classification: Likely benign for Catecholaminergic polymorphic ventricular tachycardia 1. Last evaluated: 2025-07-22. Review status: criteria provided, single submitter. Criteria: Invitae Variant Classification Sherloc (09022015). Collection method: clinical testing. Allele origin: germline.

All of Us Research Program, National Institutes of Health
Classification: Likely benign for Catecholaminergic polymorphic ventricular tachycardia. Last evaluated: 2024-07-10. Review status: criteria provided, single submitter. Criteria: ACMG Guidelines, 2015. Collection method: clinical testing. Allele origin: germline. Inheritance: Autosomal dominant inheritance. Observed: 2 variant alleles, 2 heterozygotes.
Comment: This study involves interpretation of variants in research participants for the purpose of population health screening. Participant phenotype was not available at the time of variant classification. Additional details can be found in publication PMID: 35346344, PMCID: PMC8962531

Color Diagnostics, LLC DBA Color Health
Classification: Likely benign for Cardiomyopathy. Last evaluated: 2023-01-12. Review status: criteria provided, single submitter. Criteria: ACMG Guidelines, 2015. Collection method: clinical testing. Allele origin: germline.

NM_001035.3(RYR2):c.8591-13G>A

Gene: RYR2 (ryanodine receptor 2; plus strand). Cytogenetic location: 1q43.
Variant type: single nucleotide variant.
Coding change: c.8591-13G>A on transcript NM_001035.3 (MANE Select); 13 bases into the intron before coding-DNA position 8591, G replaced by A.
Molecular consequence: intron variant.
Genome position (GRCh38, 1-based): chr1:237,674,083, G>A. VCF-style: chr1-237674083-G-A. GRCh37 (hg19) VCF-style: chr1-237837383-G-A.
Identifiers: ClinVar variation 2061720 (VCV002061720.6), dbSNP rs774710634, ClinGen allele CA087684.